The following is an entry in ClinVar:

NM_152594.3(SPRED1):c.290_291delinsGA (p.Lys97Arg)

Gene: SPRED1 (sprouty related EVH1 domain containing 1; plus strand). Cytogenetic location: 15q14.
Variant type: Indel.
Coding change: c.290_291delinsGA on transcript NM_152594.3 (MANE Select); coding-DNA positions 290 to 291, AG replaced by GA.
Protein change: p.Lys97Arg; replaces lysine 97 with arginine.
Molecular consequence: missense variant.
Genome position (GRCh38, 1-based): chr15:38,322,323-38,322,324, AG replaced by GA. VCF-style: chr15-38322323-AG-GA. GRCh37 (hg19) VCF-style: chr15-38614524-AG-GA.
Other names: short protein forms K97R.
Identifiers: ClinVar variation 536697 (VCV000536697.12), dbSNP rs1555391042, ClinGen allele CA658798296.

ClinVar aggregate classification (germline): Conflicting classifications of pathogenicity. Review status: criteria provided, conflicting classifications (1 of 4 stars). 2 submissions from 2 submitters: Uncertain significance (1); Likely benign (1). Last evaluated 2026-01-16.

Conditions:
Legius syndrome. Identifiers: Orphanet 137605, MedGen C1969623, MONDO:0012669, OMIM 611431. Disease mechanism: loss of function.

Submissions (2):

Labcorp Genetics (formerly Invitae), Labcorp
Classification: Likely benign for Legius syndrome. Last evaluated: 2026-01-16. Review status: criteria provided, single submitter. Criteria: Invitae Variant Classification Sherloc (09022015). Collection method: clinical testing. Allele origin: germline.

GeneDx
Classification: Uncertain significance. Last evaluated: 2024-04-18. Review status: criteria provided, single submitter. Criteria: GeneDx Variant Classification Process June 2021. Collection method: clinical testing. Allele origin: germline. Affected: yes.
Comment: In silico analysis supports a deleterious effect on protein structure/function; Has not been previously published as pathogenic or benign to our knowledge